The following is an entry in ClinVar:

NM_001267550.2(TTN):c.80927_80928del (p.Pro26976fs)

Genes: TTN (titin; minus strand), TTN-AS1 (TTN antisense RNA 1; plus strand). Cytogenetic location: 2q31.2.
Variant type: Deletion.
Coding change: c.80927_80928del on transcript NM_001267550.2 (MANE Select); coding-DNA positions 80927 to 80928, 2 bases deleted (CA; older notation c.80927_80928delCA).
Protein change: p.Pro26976fs; shifts the reading frame from proline 26976.
Molecular consequence: frameshift variant.
Genome position (GRCh38, 1-based): chr2:178,565,204-178,565,205, TG deleted on the plus strand (CA on the coding strand, the reverse complement: TTN is on the minus strand). VCF-style (leftmost placement, unchanged base first): chr2-178565203-CTG-C. GRCh37 (hg19) VCF-style: chr2-179429930-CTG-C.
Other names: c.76004_76005del, p.Pro25335fs (NM_001256850.1); c.53732_53733del, p.Pro17911fs (NM_003319.4); c.73223_73224del, p.Pro24408fs (NM_133378.4); c.54107_54108del, p.Pro18036fs (NM_133432.3); c.54308_54309del, p.Pro18103fs (NM_133437.4); short protein forms P25335fs, P26976fs, P18103fs, P17911fs, P18036fs, P24408fs.
Identifiers: ClinVar variation 1348909 (VCV001348909.6), dbSNP rs2154164271, ClinGen allele CA2573134162.
Genomic context (GRCh38, chr2:178,565,203, plus strand): 5'-GAGGTTCCCAAGATATGACTACAAAGTCTGCACTAACTTCATCAAACCGAACTGGGCCAA[CTG>C]GAGGTCCAGGCTTTTCTAAAACGATAACACTGAGATTTTCTGTTGCTGTGCCTGCACTAT-3'

ClinVar aggregate classification (germline): Likely pathogenic (1 of 4 stars; one submission).

Conditions:
Dilated cardiomyopathy 1G (CMD1G). Identifiers: Orphanet 154, MedGen C1858763, MONDO:0011400, OMIM 604145.
Autosomal recessive limb-girdle muscular dystrophy type 2J (LGMDR10). Also called: Limb-girdle muscular dystrophy, type 2J; MUSCULAR DYSTROPHY, LIMB-GIRDLE, AUTOSOMAL RECESSIVE 10. Identifiers: Orphanet 140922, MedGen C1837342, MONDO:0012127, OMIM 608807.

Submission:

Labcorp Genetics (formerly Invitae), Labcorp
Classification: Likely pathogenic for Dilated cardiomyopathy 1G; Autosomal recessive limb-girdle muscular dystrophy type 2J. Last evaluated: 2021-08-23. Review status: criteria provided, single submitter. Criteria: Invitae Variant Classification Sherloc (09022015). Collection method: clinical testing. Allele origin: germline.
Comment: This variant has not been reported in the literature in individuals affected with TTN-related conditions. This variant is located in the A band of TTN (PMID: 25589632). Truncating variants in this region are significantly overrepresented in patients affected with dilated cardiomyopathy (PMID: 25589632). Truncating variants in this region have also been reported in individuals affected with autosomal recessive centronuclear myopathy (PMID: 23975875). In summary, the currently available evidence indicates that the variant is pathogenic, but additional data are needed to prove that conclusively. Therefore, this variant has been classified as Likely Pathogenic. This variant is not present in population databases (ExAC no frequency). This sequence change creates a premature translational stop signal (p.Pro26976Argfs*7) in the TTN gene. While this is not anticipated to result in nonsense mediated decay, it is expected to create a truncated TTN protein.

Literature cited by the submitters: PubMed 25589632; PubMed 23975875.